The following is an entry in ClinVar:

NM_001036.6(RYR3):c.3124C>T (p.Arg1042Cys)

Gene: RYR3 (ryanodine receptor 3; plus strand). Cytogenetic location: 15q14.
Variant type: single nucleotide variant.
Coding change: c.3124C>T on transcript NM_001036.6 (MANE Select); coding-DNA position 3124, C replaced by T.
Protein change: p.Arg1042Cys; replaces arginine 1042 with cysteine.
Molecular consequence: missense variant.
Genome position (GRCh38, 1-based): chr15:33,634,682, C>T. VCF-style: chr15-33634682-C-T. GRCh37 (hg19) VCF-style: chr15-33926883-C-T.
Other names: c.3124C>T, p.Arg1042Cys (NM_001243996.4); c.3124C>T (NM_001036.3); short protein forms R1042C.
Identifiers: ClinVar variation 654798 (VCV000654798.13), dbSNP rs200709496, ClinGen allele CA7458619.

ClinVar aggregate classification (germline): Uncertain significance. Review status: criteria provided, multiple submitters, no conflicts (2 of 4 stars). 3 submissions from 3 submitters: Uncertain significance (3). Last evaluated 2026-04-27.

Conditions:
Developmental and epileptic encephalopathy. Identifiers: MedGen C5779964, MONDO:0100620.
Epileptic encephalopathy. Identifiers: MedGen C0543888, HP:0200134.

Allele frequency attached by ClinVar (database versions not stated): gnomAD 0.00003 and 0.00004; TOPMed 0.00003; ESP Exome Variant Server 0.00016; gnomAD exomes 0.00004 and 0.00005; ExAC 0.00006.
gnomAD v4.1: 82 of 1,613,724 alleles (0.0051%); highest among the groups gnomAD compares: Non-Finnish European, 0.0064%; no homozygotes.

Submissions (3):

Victorian Clinical Genetics Services, Murdoch Childrens Research Institute
Classification: Uncertain significance for Developmental and epileptic encephalopathy. Last evaluated: 2026-04-27. Review status: criteria provided, single submitter. Criteria: ACMG Guidelines, 2015. Collection method: clinical testing. Allele origin: germline. Affected: yes.
Comment: This variant is classified as VUS-3A. Evidence in support of pathogenic classification: Variant is present in gnomAD <0.01 for a recessive condition (v4: 82 heterozygote(s), 0 homozygote(s)); Missense variant predicted to be damaging by in silico tool(s) or highly conserved with a major amino acid change. Additional information: Variant is predicted to result in a missense amino acid change from Arg to Cys; This variant is heterozygous; This gene is associated with autosomal dominant congenital heart disease and has emerging evidence of both recessive and dominant variants causing developmental and epileptic encephalopathy (PanelApp Australia). It’s association with autosomal recessive congenital myopathy has been disputed by a ClinGen expert panel; Alternative amino acid change(s) at the same position are present in gnomAD (highest allele count: v4: 7 heterozygote(s), 0 homozygote(s)); Previous evidence of pathogenicity for this variant is inconclusive. This variant has been reported a VUS by clinical laboratories in ClinVar. This variant was also reported a VUS in two heterozygous individuals from a childhood epilepsy cohort, however no further clinical information (PMID:31440721); No published evidence of segregation with disease has been identified for this variant; No published functional evidence has been identified for this variant; Another missense variant(s) comparable to the one identified in this case has inconclusive previous evidence for pathogenicity. p.(Arg1042His) was reported as a VUS by a clinical laboratory in ClinVar without clinical information; Variant is located in the annotated RyR domain (DECIPHER); Loss of function is a known mechanism of disease in this gene and is associated with congenital heart disease (PMID:31085573). Gain of function is the suggested disease mechanism for developmental and epileptic encephalopathy however it is not clearly established and still requires functional evidence to confirm this.

Ambry Genetics
Classification: Uncertain significance. Last evaluated: 2023-01-31. Review status: criteria provided, single submitter. Criteria: Ambry Variant Classification Scheme 2023. Collection method: clinical testing. Allele origin: germline.

Labcorp Genetics (formerly Invitae), Labcorp
Classification: Uncertain significance for Epileptic encephalopathy. Last evaluated: 2020-07-09. Review status: criteria provided, single submitter. Criteria: Invitae Variant Classification Sherloc (09022015). Collection method: clinical testing. Allele origin: germline.
Comment: This sequence change replaces arginine with cysteine at codon 1042 of the RYR3 protein (p.Arg1042Cys). The arginine residue is highly conserved and there is a large physicochemical difference between arginine and cysteine. In summary, the available evidence is currently insufficient to determine the role of this variant in disease. Therefore, it has been classified as a Variant of Uncertain Significance. Algorithms developed to predict the effect of missense changes on protein structure and function (SIFT, PolyPhen-2, Align-GVGD) all suggest that this variant is likely to be disruptive, but these predictions have not been confirmed by published functional studies and their clinical significance is uncertain. This variant has not been reported in the literature in individuals with RYR3-related disease. This variant is present in population databases (rs200709496, ExAC 0.009%).

Literature cited by the submitters: PubMed 31440721 (cited by Victorian Clinical Genetics Services, Murdoch Childrens Research Institute); PubMed 31085573 (cited by Victorian Clinical Genetics Services, Murdoch Childrens Research Institute).